The following is an entry in ClinVar:

NM_152419.3(HGSNAT):c.711_718del (p.Arg239fs)

Gene: HGSNAT (heparan-alpha-glucosaminide N-acetyltransferase; plus strand). Cytogenetic location: 8p11.21.
Variant type: Deletion.
Coding change: c.711_718del on transcript NM_152419.3 (MANE Select); coding-DNA positions 711 to 718, 8 bases deleted (GCCCCGCC; older notation c.711_718delGCCCCGCC).
Protein change: p.Arg239fs; shifts the reading frame from arginine 239.
Molecular consequence: frameshift variant. On other transcripts: 5 prime UTR variant (1).
Genome position (GRCh38, 1-based): chr8:43,170,662-43,170,669, GCCCCGCC deleted; deleting any 8 consecutive bases within chr8:43,170,659-43,170,669 gives the same sequence; the c. name uses the placement nearest the transcript's 3' end. VCF-style (leftmost placement, unchanged base first): chr8-43170658-TGCCGCCCC-T. GRCh37 (hg19) VCF-style: chr8-43025801-TGCCGCCCC-T.
Other names: c.711_718del, p.Arg239fs (NM_001363227.2, NM_001363228.2); c.-123_-116del (NM_001363229.2); short protein forms R239fs.
Identifiers: ClinVar variation 5013665 (VCV005013665.1).

ClinVar aggregate classification (germline): Pathogenic (1 of 4 stars; one submission).

Conditions:
Mucopolysaccharidosis, MPS-III-C (MPS3C). Also called: MPS III C; MUCOPOLYSACCHARIDOSIS, TYPE IIIC; Mucopolysaccharidosis type IIIC (Sanfilippo C); mucopolysaccharidosis type 3C; MPS IIIC (Sanfilippo Syndrome Type C); SANFILIPPO SYNDROME C. Identifiers: Orphanet 581, Orphanet 79271, MedGen C0086649, MONDO:0009657, OMIM 252930.

Submission:

Myriad Genetics, Inc.
Classification: Pathogenic for Mucopolysaccharidosis, MPS-III-C. Last evaluated: 2024-10-22. Review status: criteria provided, single submitter. Criteria: Myriad Autosomal Dominant, Autosomal Recessive and X-Linked Classification Criteria (2023). Collection method: clinical testing. Allele origin: unknown.
Comment: NM_152419.2(HGSNAT):c.711_718del8(R239Qfs*38) is expected to be pathogenic in the context of mucopolysaccharidosis type IIIC. This variant is predicted to lead to an abnormal or absent protein product due to the creation of a premature termination codon in HGSNAT, a gene where loss-of-function variants are known to be pathogenic. Please note: this variant was assessed in the context of healthy population screening.